The following is an entry in ClinVar:

NM_001318734.2(KLC2):c.942+26_942+27insCGGGGGTCTGGGAGGCAGGGGCCCGGGCAGGC

Genes: KLC2 (kinesin light chain 2; plus strand), KLC2-AS1 (KLC2 antisense RNA 1; minus strand). Cytogenetic location: 11q13.2.
Variant type: Insertion.
Coding change: c.942+26_942+27insCGGGGGTCTGGGAGGCAGGGGCCCGGGCAGGC on transcript NM_001318734.2 (MANE Select); bases 26 to 27 of the intron after coding-DNA position 942, CGGGGGTCTGGGAGGCAGGGGCCCGGGCAGGC inserted.
Molecular consequence: intron variant.
Genome position: GRCh38: chr11:66,263,978-66,263,979. GRCh37 (hg19): chr11:66,031,449-66,031,450.
Other names: c.942+26_942+27insCGGGGGTCTGGGAGGCAGGGGCCCGGGCAGGC (NM_001134775.2, NM_022822.3, NM_001134776.2); c.711+26_711+27insCGGGGGTCTGGGAGGCAGGGGCCCGGGCAGGC (NM_001134774.2).
Identifiers: ClinVar variation 3618931 (VCV003618931.2).

ClinVar aggregate classification (germline): Uncertain significance (1 of 4 stars; one submission).

Submission:

Labcorp Genetics (formerly Invitae), Labcorp
Classification: Uncertain significance. Last evaluated: 2025-01-01. Review status: criteria provided, single submitter. Criteria: Invitae Variant Classification Sherloc (09022015). Collection method: clinical testing. Allele origin: germline.
Comment: This sequence change falls in intron 7 of the KLC2 gene. It does not directly change the encoded amino acid sequence of the KLC2 protein. This variant is not present in population databases (gnomAD no frequency). This variant has not been reported in the literature in individuals affected with KLC2-related conditions. Experimental studies and prediction algorithms are not available or were not evaluated, and the effect of this variant on mRNA splicing is currently unknown. In summary, the available evidence is currently insufficient to determine the role of this variant in disease. Therefore, it has been classified as a Variant of Uncertain Significance.